The following is an entry in ClinVar:

ClinVar aggregate classification (germline): Uncertain significance. Review status: criteria provided, multiple submitters, no conflicts (2 of 4 stars). 2 submissions from 2 submitters: Uncertain significance (2). Last evaluated 2024-02-24.

Conditions:
Epileptic encephalopathy. Identifiers: MedGen C0543888, HP:0200134.

Allele frequency attached by ClinVar (database versions not stated): gnomAD exomes 0.00008 and 0.00019; ExAC 0.00016; gnomAD 0.00004; TOPMed 0.00012.
gnomAD v4.1: 55 of 1,599,294 alleles (0.0034%); highest among the groups gnomAD compares: Admixed American, 0.096%; no homozygotes.

Submissions (2):

Labcorp Genetics (formerly Invitae), Labcorp
Classification: Uncertain significance for Epileptic encephalopathy. Last evaluated: 2024-02-24. Review status: criteria provided, single submitter. Criteria: Invitae Variant Classification Sherloc (09022015). Collection method: clinical testing. Allele origin: germline.
Comment: This sequence change falls in intron 89 of the RYR3 gene. It does not directly change the encoded amino acid sequence of the RYR3 protein. It affects a nucleotide within the consensus splice site. This variant is present in population databases (rs775487863, gnomAD 0.1%), and has an allele count higher than expected for a pathogenic variant. This variant has not been reported in the literature in individuals affected with RYR3-related conditions. ClinVar contains an entry for this variant (Variation ID: 461858). Variants that disrupt the consensus splice site are a relatively common cause of aberrant splicing (PMID: 17576681, 9536098). Algorithms developed to predict the effect of sequence changes on RNA splicing suggest that this variant is not likely to affect RNA splicing. In summary, the available evidence is currently insufficient to determine the role of this variant in disease. Therefore, it has been classified as a Variant of Uncertain Significance.

Women's Health and Genetics/Laboratory Corporation of America, LabCorp
Classification: Uncertain significance. Last evaluated: 2023-10-17. Review status: criteria provided, single submitter. Criteria: LabCorp Variant Classification Summary - May 2015. Collection method: clinical testing. Allele origin: germline.
Comment: Variant summary: RYR3 c.12978+3A>G alters a non-conserved nucleotide located close to a canonical splice site and therefore could affect mRNA splicing, leading to a significantly altered protein sequence. Consensus agreement among computational tools predict no significant impact on normal splicing. However, these predictions have yet to be confirmed by functional studies. The variant allele was found at a frequency of 0.00019 in 233926 control chromosomes, exclusively within the Latino subpopulation in the gnomAD database at a frequency of 0.0014. To our knowledge, no occurrence of c.12978+3A>G in individuals affected with Congenital Myopathy and no experimental evidence demonstrating its impact on protein function have been reported. One submitter has cited a clinical-significance assessment for this variant to ClinVar after 2014 and has classified the variant as uncertain significance. Based on the evidence outlined above, the variant was classified as uncertain significance.

Literature cited by the submitters: PubMed 17576681 (cited by Labcorp Genetics (formerly Invitae), Labcorp); PubMed 9536098 (cited by Labcorp Genetics (formerly Invitae), Labcorp).

NM_001036.6(RYR3):c.12978+3A>G

Gene: RYR3 (ryanodine receptor 3; plus strand). Cytogenetic location: 15q14.
Variant type: single nucleotide variant.
Coding change: c.12978+3A>G on transcript NM_001036.6 (MANE Select); 3 bases into the intron after coding-DNA position 12978, A replaced by G.
Molecular consequence: intron variant.
Genome position (GRCh38, 1-based): chr15:33,838,961, A>G. VCF-style: chr15-33838961-A-G. GRCh37 (hg19) VCF-style: chr15-34131162-A-G.
Other names: c.12963+3A>G (NM_001243996.4).
Identifiers: ClinVar variation 461858 (VCV000461858.12), dbSNP rs775487863, ClinGen allele CA7461507.
Genomic context (GRCh38, chr15:33,838,961, plus strand): 5'-TGGCAAGGATGAACCCCCTACATTAGAGAGTACTGTACAGAAGAAGAGGAAAGCTCAGGT[A>G]AGTGTCATTTGTTTCTTTCATCTTCCTTTATCCCCAGAATAAGACTTGCCACCATATCTT-3'